The following is an entry in ClinVar:

ClinVar aggregate classification (germline): Likely pathogenic (1 of 4 stars; one submission).

Submission:

Quest Diagnostics Nichols Institute San Juan Capistrano
Classification: Likely pathogenic. Last evaluated: 2023-10-17. Review status: criteria provided, single submitter. Criteria: Quest Diagnostics criteria. Collection method: clinical testing. Allele origin: unknown.
Comment: The NF1 c.1570_1571del (p.Glu524Ilefs*33) variant alters the translational reading frame of the NF1 mRNA and is predicted to cause the premature termination of NF1 protein synthesis. This variant has not been reported in individuals with NF1-related conditions in the published literature. This variant has not been reported in large, multi-ethnic general populations (Genome Aggregation Database). Based on the available information, this variant is classified as likely pathogenic.

NM_001042492.3(NF1):c.1570_1571del (p.Glu524fs)

Gene: NF1 (neurofibromin 1; plus strand). Cytogenetic location: 17q11.2.
Variant type: Deletion.
Coding change: c.1570_1571del on transcript NM_001042492.3 (MANE Select); coding-DNA positions 1570 to 1571, 2 bases deleted (GA; older notation c.1570_1571delGA).
Protein change: p.Glu524fs; shifts the reading frame from glutamic acid 524.
Molecular consequence: frameshift variant.
Genome position (GRCh38, 1-based): chr17:31,219,047-31,219,048, GA deleted; deleting any 2 consecutive bases within chr17:31,219,046-31,219,048 gives the same sequence; the c. name uses the placement nearest the transcript's 3' end. VCF-style (leftmost placement, unchanged base first): chr17-31219045-CAG-C. GRCh37 (hg19) VCF-style: chr17-29546063-CAG-C.
Other names: c.1570_1571delGA, p.Glu524Ilefs (NM_000267.4); c.1570_1571del, p.Glu524fs (NM_001128147.3); short protein forms E524fs.
Identifiers: ClinVar variation 3572027 (VCV003572027.1).
Genomic context (GRCh38, chr17:31,219,045, plus strand): 5'-TTTCCTTTTTTTCCTTGCAGAATCCAAGAAAACAGGGGCCCGAAACCCAAGGCAGTACAG[CAG>C]AATTAATTACAGGGCTCGTCCAACTGGTCCCTCAGTCACACATGCCAGAGATTGCTCAGG-3'